The following is an entry in ClinVar:

NM_006415.4(SPTLC1):c.889-18C>G

Gene: SPTLC1 (serine palmitoyltransferase long chain base subunit 1; minus strand). Cytogenetic location: 9q22.31.
Variant type: single nucleotide variant.
Coding change: c.889-18C>G on transcript NM_006415.4 (MANE Select); 18 bases into the intron before coding-DNA position 889, C replaced by G.
Molecular consequence: intron variant.
Genome position (GRCh38, 1-based): chr9:92,047,726, G>C on the plus strand (C>G on the coding strand, the complement: SPTLC1 is on the minus strand). VCF-style: chr9-92047726-G-C. GRCh37 (hg19) VCF-style: chr9-94810008-G-C.
Other names: c.889-18C>G (NM_001281303.2); c.523-18C>G (NM_001368272.1); c.424-18C>G (NM_001368273.1).
Identifiers: ClinVar variation 1402467 (VCV001402467.8), dbSNP rs578230561, ClinGen allele CA5121396.

ClinVar aggregate classification (germline): Uncertain significance (1 of 4 stars; one submission).

Conditions:
Hereditary sensory and autonomic neuropathy type 1 (HSAN1). Also called: HSAN 1; HSN Type I; Hereditary Sensory Neuropathy Type I. Identifiers: Orphanet 36386, MedGen C0020071, MONDO:0018213.

gnomAD v4.1: 8 of 1,569,296 alleles (0.00051%); highest among the groups gnomAD compares: Non-Finnish European, 0.0007%; no homozygotes.

Submission:

Labcorp Genetics (formerly Invitae), Labcorp
Classification: Uncertain significance for Hereditary sensory and autonomic neuropathy type 1. Last evaluated: 2022-03-13. Review status: criteria provided, single submitter. Criteria: Invitae Variant Classification Sherloc (09022015). Collection method: clinical testing. Allele origin: germline.
Comment: Algorithms developed to predict the effect of sequence changes on RNA splicing suggest that this variant may create or strengthen a splice site. In summary, the available evidence is currently insufficient to determine the role of this variant in disease. Therefore, it has been classified as a Variant of Uncertain Significance. This sequence change falls in intron 9 of the SPTLC1 gene. It does not directly change the encoded amino acid sequence of the SPTLC1 protein. This variant is present in population databases (rs578230561, gnomAD 0.002%). This variant has not been reported in the literature in individuals affected with SPTLC1-related conditions.